The following is an entry in ClinVar:

NM_005267.5(GJA8):c.872del (p.Pro291fs)

Gene: GJA8 (gap junction protein alpha 8; plus strand). Cytogenetic location: 1q21.2.
Variant type: Deletion.
Coding change: c.872del on transcript NM_005267.5 (MANE Select); coding-DNA position 872, one base deleted (C; older notation c.872delC).
Protein change: p.Pro291fs; shifts the reading frame from proline 291.
Molecular consequence: frameshift variant.
Genome position (GRCh38, 1-based): chr1:147,908,827, C deleted; the last of 3 consecutive C bases (chr1:147,908,825-147,908,827); deleting any one gives the same sequence. VCF-style (leftmost placement, unchanged base first): chr1-147908824-GC-G. GRCh37 (hg19) VCF-style: chr1-147380951-GC-G.
Other names: short protein forms P291fs.
Identifiers: ClinVar variation 4991501 (VCV004991501.1).

ClinVar aggregate classification (germline): Likely pathogenic (1 of 4 stars; one submission).

Conditions:
GJA8-related disorder. Also called: GJA8-related condition.

Submission:

PreventionGenetics, part of Exact Sciences
Classification: Likely pathogenic for GJA8-related condition. Last evaluated: 2026-02-24. Review status: criteria provided, single submitter. Criteria: ACMG Guidelines, 2015. Collection method: clinical testing. Allele origin: germline.
Comment: The GJA8 c.872delC variant is predicted to result in a frameshift and premature protein termination (p.Pro291Hisfs*66). To our knowledge, this variant has not been reported in the literature or in a large population database (gnomAD), indicating this variant is rare. Although the majority of pathogenic variants in GJA8 are missense variants transmitted in an autosomal dominant manner, biallelic protein truncating variants in GJA8 have been observed in families with autosomal recessive transmission of cataracts (Lin et al. 2023. PubMed ID: 36262071; Ponnam et al. 2007. PubMed ID: 17601931). Examination of carrier parents showed that they did not have congenital cataracts, but had a range of mild visual impairments with or without mild nuclear opacities, suggesting that truncating variants may possibly have reduced penetrance in the heterozygous state (Lin et al. 2023. PubMed ID: 36262071). Frameshift variants in GJA8 are expected to be pathogenic for autosomal recessive inheritance. At this time, the penetrance of protein truncating variants is not well understood for GJA8 autosomal dominant disorder. Based on this evidence, we interpret this variant is interpreted as likely pathogenic for autosomal recessive disease.